The following is an entry in ClinVar:

ClinVar aggregate classification (germline): Uncertain significance (1 of 4 stars; one submission).

Conditions:
Hereditary cancer-predisposing syndrome. Also called: Hereditary neoplastic syndrome; Neoplastic Syndromes, Hereditary; Tumor predisposition; Hereditary Cancer Syndrome. Identifiers: Orphanet 140162, MedGen C0027672, MeSH D009386, MONDO:0015356.

Submission:

Ambry Genetics
Classification: Uncertain significance for Hereditary cancer-predisposing syndrome. Last evaluated: 2025-08-31. Review status: criteria provided, single submitter. Criteria: Ambry Variant Classification Scheme 2023. Collection method: clinical testing. Allele origin: germline.
Comment: The p.L432P variant (also known as c.1295T>C), located in coding exon 13 of the POLE gene, results from a T to C substitution at nucleotide position 1295. The leucine at codon 432 is replaced by proline, an amino acid with similar properties. This amino acid position is conserved. In addition, this alteration is predicted to be deleterious by in silico analysis. Based on the available evidence, the clinical significance of this variant remains unclear.

NM_006231.4(POLE):c.1295T>C (p.Leu432Pro)

Gene: POLE (DNA polymerase epsilon, catalytic subunit; minus strand). Cytogenetic location: 12q24.33.
Variant type: single nucleotide variant.
Coding change: c.1295T>C on transcript NM_006231.4 (MANE Select); coding-DNA position 1295, T replaced by C.
Protein change: p.Leu432Pro; replaces leucine 432 with proline.
Molecular consequence: missense variant.
Genome position (GRCh38, 1-based): chr12:132,673,639, A>G on the plus strand (T>C on the coding strand, the complement: POLE is on the minus strand). VCF-style: chr12-132673639-A-G. GRCh37 (hg19) VCF-style: chr12-133250225-A-G.
Other names: short protein forms L432P.
Identifiers: ClinVar variation 4141235 (VCV004141235.1).